The following is an entry in ClinVar:

NM_001375380.1(EBF3):c.1457_1460del (p.Val486fs)

Gene: EBF3 (EBF transcription factor 3; minus strand). Cytogenetic location: 10q26.3.
Variant type: Deletion.
Coding change: c.1457_1460del on transcript NM_001375380.1 (MANE Select); coding-DNA positions 1457 to 1460, 4 bases deleted (TCAG; older notation c.1457_1460delTCAG).
Protein change: p.Val486fs; shifts the reading frame from valine 486.
Molecular consequence: frameshift variant. On other transcripts: intron variant (1).
Genome position (GRCh38, 1-based): chr10:129,840,945-129,840,948, CTGA deleted on the plus strand (TCAG on the coding strand, the reverse complement: EBF3 is on the minus strand); deleting any 4 consecutive bases within chr10:129,840,945-129,840,951 gives the same sequence; the c. name uses the placement nearest the transcript's 3' end. VCF-style (leftmost placement, unchanged base first): chr10-129840944-GCTGA-G. GRCh37 (hg19) VCF-style: chr10-131639208-GCTGA-G.
Other names: c.1430_1433del, p.Val477fs (NM_001005463.3, NM_001375390.1); c.1457_1460del, p.Val486fs (NM_001375379.1, NM_001375389.1, NM_001375391.1); c.1346-506_1346-503del (NM_001375392.1); short protein forms V477fs, V486fs.
Identifiers: ClinVar variation 2637393 (VCV002637393.1), dbSNP rs2493746916, ClinGen allele CA2611442316.

ClinVar aggregate classification (germline): Uncertain significance (1 of 4 stars; one submission).

Conditions:
EBF3-related disorder. Identifiers: MedGen CN239924.

Submission:

PreventionGenetics, part of Exact Sciences
Classification: Uncertain significance for EBF3-related condition. Last evaluated: 2022-10-25. Review status: criteria provided, single submitter. Criteria: ACMG Guidelines, 2015. Collection method: clinical testing. Allele origin: germline.
Comment: The EBF3 c.1430_1433delTCAG variant is predicted to result in a frameshift and premature protein termination (p.Val477Alafs*4). To our knowledge, this variant has not been reported in the literature or in a large population database, indicating this variant is rare. Although we suspect that this variant may be pathogenic, at this time, the clinical significance of this variant is uncertain due to the absence of conclusive functional and genetic evidence.